The following is an entry in ClinVar:

NM_006757.4(TNNT3):c.481-5T>C

Gene: TNNT3 (troponin T3, fast skeletal type; plus strand). Cytogenetic location: 11p15.5.
Variant type: single nucleotide variant.
Coding change: c.481-5T>C on transcript NM_006757.4 (MANE Select); 5 bases into the intron before coding-DNA position 481, T replaced by C.
Molecular consequence: intron variant.
Genome position (GRCh38, 1-based): chr11:1,934,541, T>C. VCF-style: chr11-1934541-T-C. GRCh37 (hg19) VCF-style: chr11-1955771-T-C.
Other names: c.457-5T>C (NM_001297646.2, NM_001042780.3, NM_001042782.3 and 2 more transcripts); c.514-5T>C (NM_001367846.1); c.490-5T>C (NM_001363561.2, NM_001367847.1); c.475-5T>C (NM_001042781.3, NM_001367843.1, NM_001367842.1); c.478-5T>C (NM_001367848.1); c.424-5T>C (NM_001367850.1); c.277-5T>C (NM_001367851.1, NM_001367852.1); c.469-5T>C (NM_001367849.1); and 1 more.
Identifiers: ClinVar variation 1286127 (VCV001286127.8), dbSNP rs372620292, ClinGen allele CA5816515.

ClinVar aggregate classification (germline): Benign. Review status: criteria provided, multiple submitters, no conflicts (2 of 4 stars). 3 submissions from 3 submitters: Benign (2). 1 of the submissions does not count toward it. Last evaluated 2025-12-09.

Conditions:
TNNT3-related disorder. Also called: TNNT3-related condition.

Allele frequency attached by ClinVar (database versions not stated): gnomAD exomes 0.00004 and 0.00005; ExAC 0.00010; 1000 Genomes Project 0.00020; gnomAD 0.00029 and 0.00032; 1000 Genomes Project 30x 0.00031; ESP Exome Variant Server 0.00031; TOPMed 0.00031.
gnomAD v4.1: 96 of 1,608,624 alleles (0.006%); highest among the groups gnomAD compares: African/African-American, 0.11%; no homozygotes.

Submissions (3):

Labcorp Genetics (formerly Invitae), Labcorp
Classification: Benign. Last evaluated: 2025-12-09. Review status: criteria provided, single submitter. Criteria: Invitae Variant Classification Sherloc (09022015). Collection method: clinical testing. Allele origin: germline.

GeneDx
Classification: Benign. Last evaluated: 2020-03-24. Review status: criteria provided, single submitter. Criteria: GeneDx Variant Classification Process June 2021. Collection method: clinical testing. Allele origin: germline. Affected: yes.

PreventionGenetics, part of Exact Sciences
Classification: Likely benign for TNNT3-related condition. Last evaluated: 2019-06-21. Review status: no assertion criteria provided. Collection method: clinical testing. Allele origin: germline. Not counted in ClinVar's aggregate classification.
Comment: This variant is classified as likely benign based on ACMG/AMP sequence variant interpretation guidelines (Richards et al. 2015 PMID: 25741868, with internal and published modifications).